The following is an entry in ClinVar:

NM_001349253.2(SCN11A):c.607A>G (p.Ile203Val)

Gene: SCN11A (sodium voltage-gated channel alpha subunit 11; minus strand). Cytogenetic location: 3p22.2.
Variant type: single nucleotide variant.
Coding change: c.607A>G on transcript NM_001349253.2 (MANE Select); coding-DNA position 607, A replaced by G.
Protein change: p.Ile203Val; replaces isoleucine 203 with valine.
Molecular consequence: missense variant.
Genome position (GRCh38, 1-based): chr3:38,926,813, T>C on the plus strand (A>G on the coding strand, the complement: SCN11A is on the minus strand). VCF-style: chr3-38926813-T-C. GRCh37 (hg19) VCF-style: chr3-38968304-T-C.
Other names: c.607A>G, p.Ile203Val (NM_014139.3); short protein forms I203V.
Identifiers: ClinVar variation 2924766 (VCV002924766.3), dbSNP rs752554589, ClinGen allele CA2322581.
Genomic context (GRCh38, chr3:38,926,813, plus strand): 5'-GGCTTCTTTCCCACTCCAAGTCTCTTCAAAAACATCTTTAATATTCTTACGCTATTCCAA[T>C]GACAATGGAGTCCAGCCAGTTCCATGGATCTCGAAGGAAAGAAAACTCATCCAGAATGAA-3'
Protein context (NP_001336182.1, residues 193-213): DPWNWLDSIV[Ile203Val]GIAIVSYIPG

ClinVar aggregate classification (germline): Uncertain significance (1 of 4 stars; one submission).

Conditions:
Familial episodic pain syndrome with predominantly lower limb involvement. Also called: Episodic pain syndrome, familial, 3. Identifiers: Orphanet 391384, Orphanet 391392, MedGen C3809899, MONDO:0014247, OMIM 615552.
Hereditary sensory and autonomic neuropathy type 7. Also called: Neuropathy, hereditary sensory and autonomic, type VII; HSAN VII. Identifiers: Orphanet 391397, MedGen C3809882, MONDO:0014244, OMIM 615548.

gnomAD v4.1: 1 of 1,613,730 alleles (0.000062%); highest among the groups gnomAD compares: South Asian, 0.0011%; no homozygotes.

Submission:

Labcorp Genetics (formerly Invitae), Labcorp
Classification: Uncertain significance for Familial episodic pain syndrome with predominantly lower limb involvement; Hereditary sensory and autonomic neuropathy type 7. Last evaluated: 2022-11-30. Review status: criteria provided, single submitter. Criteria: Invitae Variant Classification Sherloc (09022015). Collection method: clinical testing. Allele origin: germline.
Comment: This variant is present in population databases (rs752554589, gnomAD 0.003%). This sequence change replaces isoleucine, which is neutral and non-polar, with valine, which is neutral and non-polar, at codon 203 of the SCN11A protein (p.Ile203Val). In summary, the available evidence is currently insufficient to determine the role of this variant in disease. Therefore, it has been classified as a Variant of Uncertain Significance. Advanced modeling of protein sequence and biophysical properties (such as structural, functional, and spatial information, amino acid conservation, physicochemical variation, residue mobility, and thermodynamic stability) performed at Invitae indicates that this missense variant is not expected to disrupt SCN11A protein function. This variant has not been reported in the literature in individuals affected with SCN11A-related conditions.